The following is an entry in ClinVar:

NM_182641.4(BPTF):c.8038C>G (p.Pro2680Ala)

Gene: BPTF (bromodomain PHD finger transcription factor; plus strand). Cytogenetic location: 17q24.2.
Variant type: single nucleotide variant.
Coding change: c.8038C>G on transcript NM_182641.4 (MANE Select); coding-DNA position 8038, C replaced by G.
Protein change: p.Pro2680Ala; replaces proline 2680 with alanine.
Molecular consequence: missense variant.
Genome position (GRCh38, 1-based): chr17:67,959,652, C>G. VCF-style: chr17-67959652-C-G. GRCh37 (hg19) VCF-style: chr17-65955768-C-G.
Other names: c.7987C>G, p.Pro2663Ala (NM_004459.7); c.8038C>G (NM_182641.3); short protein forms P2663A, P2680A.
Identifiers: ClinVar variation 1690739 (VCV001690739.8), dbSNP rs781837183, ClinGen allele CA8726497.
Genomic context (GRCh38, chr17:67,959,652, plus strand): 5'-TTGGCTCAGGCCACAGCAGTAGCTGCACCCTGCCCCCCAGTGACACCAGCTCCTCCAGCC[C>G]CTCCAGCCCCTCCACCTTCACCTCCCCCTCCACCTGCTGTGCAACACACAGGCCTTCTGT-3'
Protein context (NP_872579.2, residues 2670-2690): CPPVTPAPPA[Pro2680Ala]PAPPPSPPPP

ClinVar aggregate classification (germline): Uncertain significance. Review status: criteria provided, multiple submitters, no conflicts (2 of 4 stars). 3 submissions from 3 submitters: Uncertain significance (3). Last evaluated 2025-01-08.

Conditions:
Inborn genetic diseases. Identifiers: MedGen C0950123, MeSH D030342.

Allele frequency attached by ClinVar (database versions not stated): ExAC 0.00001; gnomAD exomes 0.00001; TOPMed 0.00001.
gnomAD v4.1: 2 of 1,609,608 alleles (0.00012%); highest among the groups gnomAD compares: Admixed American, 0.0034%; no homozygotes.

Submissions (3):

Ambry Genetics
Classification: Uncertain significance for Inborn genetic diseases. Last evaluated: 2025-01-08. Review status: criteria provided, single submitter. Criteria: Ambry Variant Classification Scheme 2023. Collection method: clinical testing. Allele origin: germline.

Labcorp Genetics (formerly Invitae), Labcorp
Classification: Uncertain significance. Last evaluated: 2024-08-02. Review status: criteria provided, single submitter. Criteria: Invitae Variant Classification Sherloc (09022015). Collection method: clinical testing. Allele origin: germline.
Comment: This sequence change replaces proline, which is neutral and non-polar, with alanine, which is neutral and non-polar, at codon 2663 of the BPTF protein (p.Pro2663Ala). This variant is present in population databases (rs781837183, gnomAD 0.006%). This variant has not been reported in the literature in individuals affected with BPTF-related conditions. ClinVar contains an entry for this variant (Variation ID: 1690739). An algorithm developed to predict the effect of missense changes on protein structure and function (PolyPhen-2) suggests that this variant is likely to be tolerated. In summary, the available evidence is currently insufficient to determine the role of this variant in disease. Therefore, it has been classified as a Variant of Uncertain Significance.

Laboratorio de Genetica e Diagnostico Molecular, Hospital Israelita Albert Einstein
Classification: Uncertain significance. Last evaluated: 2019-12-10. Review status: criteria provided, single submitter. Criteria: ACMG Guidelines, 2015. Collection method: clinical testing. Allele origin: germline. Affected: yes.
Comment: ACMG classification criteria: PM2, BP4